The following is an entry in ClinVar:

ClinVar aggregate classification (germline): Uncertain significance (1 of 4 stars; one submission).

Conditions:
Bardet-Biedl syndrome (BBS). Identifiers: Orphanet 110, MedGen C0752166, MONDO:0015229.
McKusick-Kaufman syndrome (MKKS). Also called: HYDROMETROCOLPOS SYNDROME; HYDROMETROCOLPOS, POSTAXIAL POLYDACTYLY, AND CONGENITAL HEART MALFORMATION. Identifiers: Orphanet 2473, MedGen C0948368, MONDO:0009367, OMIM 236700.

Submission:

Labcorp Genetics (formerly Invitae), Labcorp
Classification: Uncertain significance for McKusick-Kaufman syndrome; Bardet-Biedl syndrome. Last evaluated: 2022-02-04. Review status: criteria provided, single submitter. Criteria: Invitae Variant Classification Sherloc (09022015). Collection method: clinical testing. Allele origin: germline.
Comment: This sequence change replaces alanine, which is neutral and non-polar, with threonine, which is neutral and polar, at codon 552 of the MKKS protein (p.Ala552Thr). This variant is not present in population databases (gnomAD no frequency). This variant has not been reported in the literature in individuals affected with MKKS-related conditions. ClinVar contains an entry for this variant (Variation ID: 640342). Algorithms developed to predict the effect of missense changes on protein structure and function are either unavailable or do not agree on the potential impact of this missense change (SIFT: "Deleterious"; PolyPhen-2: "Probably Damaging"; Align-GVGD: "Class C0"). Algorithms developed to predict the effect of sequence changes on RNA splicing suggest that this variant may create or strengthen a splice site. In summary, the available evidence is currently insufficient to determine the role of this variant in disease. Therefore, it has been classified as a Variant of Uncertain Significance.

NM_170784.3(MKKS):c.1654G>A (p.Ala552Thr)

Gene: MKKS (MKKS centrosomal shuttling protein; minus strand). Cytogenetic location: 20p12.2.
Variant type: single nucleotide variant.
Coding change: c.1654G>A on transcript NM_170784.3 (MANE Select); coding-DNA position 1654, G replaced by A.
Protein change: p.Ala552Thr; replaces alanine 552 with threonine.
Molecular consequence: missense variant. On other transcripts: non-coding transcript variant (1).
Genome position (GRCh38, 1-based): chr20:10,405,306, C>T on the plus strand (G>A on the coding strand, the complement: MKKS is on the minus strand). VCF-style: chr20-10405306-C-T. GRCh37 (hg19) VCF-style: chr20-10385954-C-T.
Other names: c.1654G>A, p.Ala552Thr (NM_018848.3); short protein forms A552T.
Identifiers: ClinVar variation 640342 (VCV000640342.8), dbSNP rs532487848, ClinGen allele CA408230427.